The following is an entry in ClinVar:

NM_000834.5(GRIN2B):c.2495G>A (p.Ser832Asn)

Gene: GRIN2B (glutamate ionotropic receptor NMDA type subunit 2B; minus strand). Cytogenetic location: 12p13.1.
Variant type: single nucleotide variant.
Coding change: c.2495G>A on transcript NM_000834.5 (MANE Select); coding-DNA position 2495, G replaced by A.
Protein change: p.Ser832Asn; replaces serine 832 with asparagine.
Molecular consequence: missense variant.
Genome position (GRCh38, 1-based): chr12:13,567,128, C>T on the plus strand (G>A on the coding strand, the complement: GRIN2B is on the minus strand). VCF-style: chr12-13567128-C-T. GRCh37 (hg19) VCF-style: chr12-13720062-C-T.
Other names: c.2495G>A, p.Ser832Asn (NM_001413992.1); short protein forms S832N.
Identifiers: ClinVar variation 4267042 (VCV004267042.2).

ClinVar aggregate classification (germline): Uncertain significance (1 of 4 stars; one submission).

Conditions:
Inborn genetic diseases. Identifiers: MedGen C0950123, MeSH D030342.

Submission:

Ambry Genetics
Classification: Uncertain significance for Inborn genetic diseases. Last evaluated: 2025-09-17. Review status: criteria provided, single submitter. Criteria: Ambry Variant Classification Scheme 2023. Collection method: clinical testing. Allele origin: germline.
Comment: The c.2495G>A (p.S832N) alteration is located in exon 12 (coding exon 11) of the GRIN2B gene. This alteration results from a G to A substitution at nucleotide position 2495, causing the serine (S) at amino acid position 832 to be replaced by an asparagine (N). This variant was not reported in population-based cohorts in the Genome Aggregation Database (gnomAD). This amino acid position is highly conserved in available vertebrate species. This missense alteration is located in a region that has a low rate of benign missense variation (Lek, 2016; Firth, 2009). The in silico prediction for this alteration is inconclusive. Based on insufficient or conflicting evidence, the clinical significance of this alteration remains unclear.